The following is an entry in ClinVar:

ClinVar aggregate classification (germline): Uncertain significance (1 of 4 stars; one submission).

Allele frequency attached by ClinVar (database versions not stated): TOPMed below 0.00001; gnomAD 0.00001; ExAC 0.00002; gnomAD exomes 0.00003.

Submission:

Labcorp Genetics (formerly Invitae), Labcorp
Classification: Uncertain significance. Last evaluated: 2024-04-24. Review status: criteria provided, single submitter. Criteria: Invitae Variant Classification Sherloc (09022015). Collection method: clinical testing. Allele origin: germline.
Comment: This sequence change replaces aspartic acid, which is acidic and polar, with glycine, which is neutral and non-polar, at codon 104 of the RAI1 protein (p.Asp104Gly). This variant is present in population databases (rs765541374, gnomAD 0.005%). This variant has not been reported in the literature in individuals affected with RAI1-related conditions. Advanced modeling of protein sequence and biophysical properties (such as structural, functional, and spatial information, amino acid conservation, physicochemical variation, residue mobility, and thermodynamic stability) performed at Invitae indicates that this missense variant is not expected to disrupt RAI1 protein function with a negative predictive value of 80%. In summary, the available evidence is currently insufficient to determine the role of this variant in disease. Therefore, it has been classified as a Variant of Uncertain Significance.

NM_030665.4(RAI1):c.311A>G (p.Asp104Gly)

Gene: RAI1 (retinoic acid induced 1; plus strand). Cytogenetic location: 17p11.2.
Variant type: single nucleotide variant.
Coding change: c.311A>G on transcript NM_030665.4 (MANE Select); coding-DNA position 311, A replaced by G.
Protein change: p.Asp104Gly; replaces aspartic acid 104 with glycine.
Molecular consequence: missense variant.
Genome position (GRCh38, 1-based): chr17:17,793,259, A>G. VCF-style: chr17-17793259-A-G. GRCh37 (hg19) VCF-style: chr17-17696573-A-G.
Other names: short protein forms D104G.
Identifiers: ClinVar variation 2719244 (VCV002719244.3), dbSNP rs765541374, ClinGen allele CA8418099.